The following is an entry in ClinVar:

NM_138927.4(SON):c.6167C>G (p.Ala2056Gly)

Gene: SON (SON DNA and RNA binding protein; plus strand). Cytogenetic location: 21q22.11.
Variant type: single nucleotide variant.
Coding change: c.6167C>G on transcript NM_138927.4 (MANE Select); coding-DNA position 6167, C replaced by G.
Protein change: p.Ala2056Gly; replaces alanine 2056 with glycine.
Molecular consequence: missense variant. On other transcripts: non-coding transcript variant (1).
Genome position (GRCh38, 1-based): chr21:33,557,162, C>G. VCF-style: chr21-33557162-C-G. GRCh37 (hg19) VCF-style: chr21-34929468-C-G.
Other names: c.6167C>G, p.Ala2056Gly (NM_001291411.2, NM_032195.3); c.251C>G, p.Ala84Gly (NM_001291412.3); short protein forms A2056G, A84G.
Identifiers: ClinVar variation 4282217 (VCV004282217.1).

ClinVar aggregate classification (germline): Uncertain significance (1 of 4 stars; one submission).

Submission:

GeneDx
Classification: Uncertain significance. Last evaluated: 2025-04-18. Review status: criteria provided, single submitter. Criteria: GeneDx Variant Classification Process June 2021. Collection method: clinical testing. Allele origin: germline. Affected: yes.
Comment: Not observed at significant frequency in large population cohorts (gnomAD); In silico analysis supports that this missense variant has a deleterious effect on protein structure/function; Has not been previously published as pathogenic or benign to our knowledge